The following is an entry in ClinVar:

ClinVar aggregate classification (germline): Benign/Likely benign. Review status: criteria provided, multiple submitters, no conflicts (2 of 4 stars). 4 submissions from 4 submitters: Benign (1); Likely benign (2). 1 of the submissions does not count toward it. Last evaluated 2024-09-03.

Conditions:
Fanconi anemia complementation group J. Also called: BRIP1-Related Fanconi Anemia. Identifiers: Orphanet 84, MedGen C1836860, MONDO:0012187, OMIM 609054.
Familial cancer of breast. Also called: BREAST CANCER, FAMILIAL; hereditary breast carcinoma; Hereditary breast cancer. Identifiers: Orphanet 227535, MedGen C0346153, MONDO:0016419, OMIM 114480. Disease mechanism: loss of function.
Hereditary cancer-predisposing syndrome. Also called: Tumor predisposition; Hereditary neoplastic syndrome; Neoplastic Syndromes, Hereditary; Hereditary Cancer Syndrome. Identifiers: Orphanet 140162, MedGen C0027672, MeSH D009386, MONDO:0015356.

Submissions (4):

Myriad Genetics, Inc.
Classification: Benign for Familial cancer of breast. Last evaluated: 2024-09-03. Review status: criteria provided, single submitter. Criteria: Myriad Autosomal Dominant, Autosomal Recessive and X-Linked Classification Criteria (2023). Collection method: clinical testing. Allele origin: unknown.
Comment: This variant is considered benign. This variant is a silent/synonymous amino acid change and it is not expected to impact splicing.

Ambry Genetics
Classification: Likely benign for Hereditary cancer-predisposing syndrome. Last evaluated: 2023-10-12. Review status: criteria provided, single submitter. Criteria: Ambry Variant Classification Scheme 2023. Collection method: clinical testing. Allele origin: germline.

Labcorp Genetics (formerly Invitae), Labcorp
Classification: Likely benign for Familial cancer of breast; Fanconi anemia complementation group J. Last evaluated: 2023-08-10. Review status: criteria provided, single submitter. Criteria: Invitae Variant Classification Sherloc (09022015). Collection method: clinical testing. Allele origin: germline.

Leiden Open Variation Database
Classification: Uncertain significance. Last evaluated: 2019-08-13. Review status: no assertion criteria provided. Collection method: curation. Allele origin: germline. Affected: yes. Not counted in ClinVar's aggregate classification.
Comment: Curator: Arleen D. Auerbach. Submitter to LOVD: Yukihide Momozawa.

Literature cited by the submitters: PubMed 31214711 (cited by Leiden Open Variation Database).

NM_032043.3(BRIP1):c.2127C>G (p.Leu709=)

Gene: BRIP1 (BRCA1 interacting DNA helicase 1; minus strand). Cytogenetic location: 17q23.2.
Variant type: single nucleotide variant.
Coding change: c.2127C>G on transcript NM_032043.3 (MANE Select); coding-DNA position 2127, C replaced by G.
Protein change: p.Leu709=; no amino-acid change (leucine 709 retained).
Molecular consequence: synonymous variant.
Genome position (GRCh38, 1-based): chr17:61,744,562, G>C on the plus strand (C>G on the coding strand, the complement: BRIP1 is on the minus strand). VCF-style: chr17-61744562-G-C. GRCh37 (hg19) VCF-style: chr17-59821923-G-C.
Identifiers: ClinVar variation 929549 (VCV000929549.12), dbSNP rs1060504325, ClinGen allele CA501151368.
Genomic context (GRCh38, chr17:61,744,562, plus strand): 5'-TCCCTGTGGTTCTACAATGACTGTCTTCACCAACTCCAGATTATGCCATAAACCAGTAGA[G>C]AGCCAACGTTCTTTTAATTTTTCTAATAACTAAAGAGGGGAAAGAAAAAAATGATTTTTT-3'
Protein context (NP_114432.2, residues 699-719): KLLEKLKERW[Leu709=]STGLWHNLEL